The following is an entry in ClinVar:

NM_000553.6(WRN):c.1695A>C (p.Arg565Ser)

Gene: WRN (WRN RecQ like helicase; plus strand). Cytogenetic location: 8p12.
Variant type: single nucleotide variant.
Coding change: c.1695A>C on transcript NM_000553.6 (MANE Select); coding-DNA position 1695, A replaced by C.
Protein change: p.Arg565Ser; replaces arginine 565 with serine.
Molecular consequence: missense variant.
Genome position (GRCh38, 1-based): chr8:31,090,507, A>C. VCF-style: chr8-31090507-A-C. GRCh37 (hg19) VCF-style: chr8-30948023-A-C.
Other names: short protein forms R565S.
Identifiers: ClinVar variation 972135 (VCV000972135.5), dbSNP rs1813705147, ClinGen allele CA370927006.

ClinVar aggregate classification (germline): Uncertain significance (1 of 4 stars; one submission).

Conditions:
Werner syndrome (WRN). Identifiers: Orphanet 902, MedGen C0043119, MONDO:0010196, OMIM 277700.

Submission:

Labcorp Genetics (formerly Invitae), Labcorp
Classification: Uncertain significance for Werner syndrome. Last evaluated: 2019-10-31. Review status: criteria provided, single submitter. Criteria: Invitae Variant Classification Sherloc (09022015). Collection method: clinical testing. Allele origin: germline.
Comment: This sequence change replaces arginine with serine at codon 565 of the WRN protein (p.Arg565Ser). The arginine residue is highly conserved and there is a moderate physicochemical difference between arginine and serine. In summary, the available evidence is currently insufficient to determine the role of this variant in disease. Therefore, it has been classified as a Variant of Uncertain Significance. Algorithms developed to predict the effect of missense changes on protein structure and function are either unavailable or do not agree on the potential impact of this missense change (SIFT: "Deleterious"; PolyPhen-2: "Probably Damaging"; Align-GVGD: "Class C0"). This variant has not been reported in the literature in individuals with WRN-related conditions. This variant is not present in population databases (ExAC no frequency).